The following is an entry in ClinVar:

ClinVar aggregate classification (germline): Pathogenic/Likely pathogenic. Review status: criteria provided, multiple submitters, no conflicts (2 of 4 stars). 2 submissions from 2 submitters: Pathogenic (1); Likely pathogenic (1). Last evaluated 2026-01-08.

Submissions (2):

Dasa
Classification: Likely pathogenic. Last evaluated: 2026-01-08. Review status: criteria provided, single submitter. Criteria: DASA Assertion Criteria. Collection method: clinical testing. Allele origin: germline.
Comment: NM_003632.3(CNTNAP1):c.1852C>T (p.Arg618*) is a nonsense variant in CNTNAP1 predicted to introduce a premature termination codon and is predicted to result in an absent or altered protein product. Loss of function is an established disease mechanism for CNTNAP1-associated disorders. Also, this variant is rare in population databases. Based on the currently available evidence, this variant is classified as likely pathogenic.

Labcorp Genetics (formerly Invitae), Labcorp
Classification: Pathogenic. Last evaluated: 2024-09-11. Review status: criteria provided, single submitter. Criteria: Invitae Variant Classification Sherloc (09022015). Collection method: clinical testing. Allele origin: germline.
Comment: This sequence change creates a premature translational stop signal (p.Arg618*) in the CNTNAP1 gene. It is expected to result in an absent or disrupted protein product. Loss-of-function variants in CNTNAP1 are known to be pathogenic (PMID: 24319099). This variant is not present in population databases (gnomAD no frequency). This variant has not been reported in the literature in individuals affected with CNTNAP1-related conditions. For these reasons, this variant has been classified as Pathogenic.

Literature cited by the submitters: PubMed 24319099 (cited by Labcorp Genetics (formerly Invitae), Labcorp).

NM_003632.3(CNTNAP1):c.1852C>T (p.Arg618Ter)

Gene: CNTNAP1 (contactin associated protein 1; plus strand). Cytogenetic location: 17q21.2.
Variant type: single nucleotide variant.
Coding change: c.1852C>T on transcript NM_003632.3 (MANE Select); coding-DNA position 1852, C replaced by T.
Protein change: p.Arg618Ter; replaces arginine 618 with a stop codon.
Molecular consequence: nonsense.
Genome position (GRCh38, 1-based): chr17:42,690,204, C>T. VCF-style: chr17-42690204-C-T. GRCh37 (hg19) VCF-style: chr17-40842222-C-T.
Other names: short protein forms R618*.
Identifiers: ClinVar variation 3603932 (VCV003603932.4).